The following is an entry in ClinVar:

ClinVar aggregate classification (germline): Uncertain significance. Review status: reviewed by expert panel (3 of 4 stars). 5 submissions from 5 submitters: Uncertain significance (1). 4 of the submissions do not count toward it. Last evaluated 2025-05-16.

Conditions:
APC-related disorder. Also called: APC-related condition.
Hereditary cancer-predisposing syndrome. Also called: Neoplastic Syndromes, Hereditary; Hereditary Cancer Syndrome; Tumor predisposition; Hereditary neoplastic syndrome. Identifiers: Orphanet 140162, MedGen C0027672, MeSH D009386, MONDO:0015356.
Familial adenomatous polyposis 1 (FAP1). Also called: FAMILIAL ADENOMATOUS POLYPOSIS 1, ATTENUATED; POLYPOSIS, ADENOMATOUS INTESTINAL. Identifiers: MedGen C2713442, MONDO:0021056, OMIM 175100. Disease mechanism: loss of function.

Allele frequency attached by ClinVar (database versions not stated): gnomAD exomes below 0.00001.
gnomAD v4.1: 3 of 1,614,076 alleles (0.00019%); no homozygotes.

Submissions (5):

ClinGen InSiGHT Hereditary Colorectal Cancer/Polyposis Variant Curation Expert Panel
Classification: Uncertain significance for Familial adenomatous polyposis 1. Last evaluated: 2025-05-16. Review status: reviewed by expert panel. Criteria: ClinGen InSiGHT HCCP VCEP ACMG Specifications APC V1. Collection method: curation. Allele origin: germline. Inheritance: Autosomal dominant inheritance.
Comment: The NM_000038.6(APC):c.1902T>G (p.Ser634Arg) variant in APC is a missense variant predicted to cause substitution of Serine by Arginine at amino acid position 634 (p.Ser634Arg). This variant has been reported in 1 proband meeting phenotypic criteria, resulting in a total phenotype score of 0.5 (PS4 not met [Ambry]). The variant has been reported in 1 additional proband with a colorectal cancer/polyposis associated phenotype not meeting phenotypic criteria (PMID: 27696107). The total minor allele frequency in gnomAD v2.1.1 (non-cancer) is 0.0004% (1/236788 alleles), which is lower than the ClinGen InSiGHT Hereditary Colorectal Cancer/Polyposis VCEP (HCCP VCEP) threshold < 0.001% (0.00001) for PM2_Supporting if the allele count is ≤ 1 and therefore meets this criterion (PM2_Supporting). RT-PCR of cDNA and mini-gene splicing assays demonstrated that the variant impacts splicing by skipping of exon 15 resulting in a premature stop codon (PMID: 24599579). However, since alternative splicing/skipping of this exon is known and in PMID: 24599579 no pronounced skipping compared to controls is described, PS3 is not applicable. Moreover, the results from ≥ 2 in silico splicing predictors (SpliceAI and MaxEntScan) support that this variant does not affect splicing. APC, in which the variant was identified, is defined by the HCCP VCEP as a gene for which primarily truncating variants are known to cause disease (BP1). Due to conflicting evidence, this variant is a variant of uncertain significance (VUS) for autosomal-dominant inherited FAP based on the ACMG/AMP criteria applied, as specified by the HCCP VCEP: PM2_Supporting, BP1 (VCEP specifications version v2.0.3; date of approval 7/24/2023).

Blueprint Genetics
Classification: Likely pathogenic for APC-related disorders. Last evaluated: 2024-07-22. Review status: criteria provided, single submitter. Criteria: ACMG Guidelines, 2015. Collection method: clinical testing. Allele origin: germline. Affected: yes. Observed: 5 variant alleles. Not counted in ClinVar's aggregate classification.

Ambry Genetics
Classification: Likely pathogenic for Hereditary cancer-predisposing syndrome. Last evaluated: 2024-01-09. Review status: criteria provided, single submitter. Criteria: Ambry Variant Classification Scheme 2023. Collection method: clinical testing. Allele origin: germline. Not counted in ClinVar's aggregate classification.
Comment: The c.1902T>G variant (also known as p.S634R), located in coding exon 14 of the APC gene, results from a T to G substitution at nucleotide position 1902. The serine at codon 634 is replaced by arginine, an amino acid with dissimilar properties. This alteration has been observed in multiple individuals with a personal and/or family history that is consistent with APC-related disease (Ambry internal data; Grandval P et al. Hum. Mutat. 2014 May; 35(5):532-6; Rohlin A et al. Fam Cancer 2017 Apr;16(2):195-203.). This nucleotide position is well conserved in available vertebrate species. In silico splice site analysis predicts that this alteration may weaken the native splice donor site. This variant was reported to cause exon 14 skipping by mini-gene and RT-PCR RNA analysis (Grandval P et al. Hum. Mutat. 2014 May; 35(5):532-6). Based on the majority of available evidence to date, this variant is likely to be pathogenic.

Myriad Genetics, Inc.
Classification: Likely pathogenic for Familial adenomatous polyposis 1. Last evaluated: 2023-05-03. Review status: criteria provided, single submitter. Criteria: Myriad Autosomal Dominant, Autosomal Recessive and X-Linked Classification Criteria (2023). Collection method: clinical testing. Allele origin: unknown. Not counted in ClinVar's aggregate classification.
Comment: This variant is considered likely pathogenic. mRNA analysis has demonstrated abnormal mRNA splicing occurs [Myriad internal data].

Labcorp Genetics (formerly Invitae), Labcorp
Classification: Uncertain significance for Familial adenomatous polyposis 1. Last evaluated: 2022-01-17. Review status: criteria provided, single submitter. Criteria: Invitae Variant Classification Sherloc (09022015). Collection method: clinical testing. Allele origin: germline. Not counted in ClinVar's aggregate classification.
Comment: In summary, the available evidence is currently insufficient to determine the role of this variant in disease. Therefore, it has been classified as a Variant of Uncertain Significance. Studies have shown that this variant is associated with altered splicing, but the impact on the resulting protein product is unknown (PMID: 24599579; Invitae). Algorithms developed to predict the effect of missense changes on protein structure and function are either unavailable or do not agree on the potential impact of this missense change (SIFT: "Deleterious"; PolyPhen-2: "Possibly Damaging"; Align-GVGD: "Class C0"). ClinVar contains an entry for this variant (Variation ID: 231954). This missense change has been observed in individual(s) with clinical features of familial adenomatous polyposis (PMID: 27696107). This variant is present in population databases (no rsID available, gnomAD 0.004%). This sequence change replaces serine, which is neutral and polar, with arginine, which is basic and polar, at codon 634 of the APC protein (p.Ser634Arg).

Literature cited by the submitters: PubMed 24599579 (cited by Ambry Genetics and Labcorp Genetics (formerly Invitae), Labcorp); PubMed 27696107 (cited by Ambry Genetics and Labcorp Genetics (formerly Invitae), Labcorp).

NM_000038.6(APC):c.1902T>G (p.Ser634Arg)

Gene: APC (APC regulator of Wnt signaling pathway; plus strand). Cytogenetic location: 5q22.2.
Variant type: single nucleotide variant.
Coding change: c.1902T>G on transcript NM_000038.6 (MANE Select); coding-DNA position 1902, T replaced by G.
Protein change: p.Ser634Arg; replaces serine 634 with arginine.
Molecular consequence: missense variant.
Genome position (GRCh38, 1-based): chr5:112,835,109, T>G. VCF-style: chr5-112835109-T-G. GRCh37 (hg19) VCF-style: chr5-112170806-T-G.
Other names: NM_000038.6(APC):c.1902T>G; p.Ser634Arg; c.1902T>G, p.Ser634Arg (NM_001127510.3, NM_001354895.2); c.1848T>G, p.Ser616Arg (NM_001127511.3); c.1956T>G, p.Ser652Arg (NM_001354896.2); c.1932T>G, p.Ser644Arg (NM_001354897.2); c.1827T>G, p.Ser609Arg (NM_001354898.2); c.1818T>G, p.Ser606Arg (NM_001354899.2); and 7 more; short protein forms S616R, S634R, S508R, S575R, S609R, S543R, S593R, S652R.
Identifiers: ClinVar variation 231954 (VCV000231954.12), dbSNP rs876659460, ClinGen allele CA10578330.